The following is an entry in ClinVar:

ClinVar aggregate classification (germline): Likely benign. Review status: criteria provided, multiple submitters, no conflicts (2 of 4 stars). 4 submissions from 4 submitters: Likely benign (4). Last evaluated 2025-11-16.

Conditions:
TTN-related disorder. Also called: TTN-related disorders; TTN-related condition; TTN-related disease.
Dilated cardiomyopathy 1G (CMD1G). Identifiers: Orphanet 154, MedGen C1858763, MONDO:0011400, OMIM 604145.
Autosomal recessive limb-girdle muscular dystrophy type 2J (LGMDR10). Also called: MUSCULAR DYSTROPHY, LIMB-GIRDLE, AUTOSOMAL RECESSIVE 10; Limb-girdle muscular dystrophy, type 2J. Identifiers: Orphanet 140922, MedGen C1837342, MONDO:0012127, OMIM 608807.

Allele frequency attached by ClinVar (database versions not stated): gnomAD 0.00001; gnomAD exomes 0.00001 and 0.00003; TOPMed 0.00001; ExAC 0.00002.
gnomAD v4.1: 41 of 1,613,674 alleles (0.0025%); highest among the groups gnomAD compares: Non-Finnish European, 0.0035%; no homozygotes.

Submissions (4):

Labcorp Genetics (formerly Invitae), Labcorp
Classification: Likely benign for Dilated cardiomyopathy 1G; Autosomal recessive limb-girdle muscular dystrophy type 2J. Last evaluated: 2025-11-16. Review status: criteria provided, single submitter. Criteria: Invitae Variant Classification Sherloc (09022015). Collection method: clinical testing. Allele origin: germline.

PreventionGenetics, part of Exact Sciences
Classification: Likely benign for TTN-related condition. Last evaluated: 2025-03-24. Review status: criteria provided, single submitter. Criteria: ACMG Guidelines, 2015. Collection method: clinical testing. Allele origin: germline.
Comment: This variant is classified as likely benign based on ACMG/AMP sequence variant interpretation guidelines (Richards et al. 2015 PMID: 25741868, with internal and published modifications).

Blueprint Genetics
Classification: Likely benign. Last evaluated: 2023-04-05. Review status: criteria provided, single submitter. Criteria: ACMG Guidelines, 2015. Collection method: clinical testing. Allele origin: germline.

GeneDx
Classification: Likely benign. Last evaluated: 2018-05-08. Review status: criteria provided, single submitter. Criteria: GeneDx Variant Classification (06012015). Collection method: clinical testing. Allele origin: germline. Affected: yes.
Comment: This variant is considered likely benign or benign based on one or more of the following criteria: it is a conservative change, it occurs at a poorly conserved position in the protein, it is predicted to be benign by multiple in silico algorithms, and/or has population frequency not consistent with disease.

NM_001267550.2(TTN):c.27670C>T (p.Leu9224=)

Gene: TTN (titin; minus strand). Cytogenetic location: 2q31.2.
Variant type: single nucleotide variant.
Coding change: c.27670C>T on transcript NM_001267550.2 (MANE Select); coding-DNA position 27670, C replaced by T.
Protein change: p.Leu9224=; no amino-acid change (leucine 9224 retained).
Molecular consequence: synonymous variant. On other transcripts: intron variant (3).
Genome position (GRCh38, 1-based): chr2:178,712,160, G>A on the plus strand (C>T on the coding strand, the complement: TTN is on the minus strand). VCF-style: chr2-178712160-G-A. GRCh37 (hg19) VCF-style: chr2-179576887-G-A.
Other names: c.26719C>T, p.Leu8907= (NM_001256850.1); c.23938C>T, p.Leu7980= (NM_133378.4); c.13282+25922C>T (NM_003319.4); c.13858+25922C>T (NM_133437.4); c.13657+25922C>T (NM_133432.3).
Identifiers: ClinVar variation 668352 (VCV000668352.12), dbSNP rs757147575, ClinGen allele CA1999744.